The following is an entry in ClinVar:

NM_213607.3(DNAAF19):c.343A>T (p.Ser115Cys)

Gene: DNAAF19 (dynein axonemal assembly factor 19; plus strand). Cytogenetic location: 17q21.31.
Variant type: single nucleotide variant.
Coding change: c.343A>T on transcript NM_213607.3 (MANE Select); coding-DNA position 343, A replaced by T.
Protein change: p.Ser115Cys; replaces serine 115 with cysteine.
Molecular consequence: missense variant. On other transcripts: 3 prime UTR variant (3).
Genome position (GRCh38, 1-based): chr17:44,902,431, A>T. VCF-style: chr17-44902431-A-T. GRCh37 (hg19) VCF-style: chr17-42979799-A-T.
Other names: c.343A>T, p.Ser115Cys (NM_001258395.2, NM_001258396.2); c.*93A>T (NM_001258397.3); c.*32A>T (NM_001258398.3, NM_001258399.2); short protein forms S115C.
Identifiers: ClinVar variation 1714572 (VCV001714572.5), dbSNP rs2508900148, ClinGen allele CA399828774.

ClinVar aggregate classification (germline): Uncertain significance (1 of 4 stars; one submission).

Conditions:
Primary ciliary dyskinesia. Also called: Ciliary dyskinesia. Identifiers: Orphanet 244, MedGen C0008780, MONDO:0016575, HP:0012265.

Submission:

Labcorp Genetics (formerly Invitae), Labcorp
Classification: Uncertain significance for Primary ciliary dyskinesia. Last evaluated: 2022-07-15. Review status: criteria provided, single submitter. Criteria: Invitae Variant Classification Sherloc (09022015). Collection method: clinical testing. Allele origin: germline.
Comment: Algorithms developed to predict the effect of missense changes on protein structure and function are either unavailable or do not agree on the potential impact of this missense change (SIFT: "Deleterious"; PolyPhen-2: "Probably Damaging"; Align-GVGD: "Class C15"). This variant has not been reported in the literature in individuals affected with CCDC103-related conditions. This variant is not present in population databases (gnomAD no frequency). This sequence change replaces serine, which is neutral and polar, with cysteine, which is neutral and slightly polar, at codon 115 of the CCDC103 protein (p.Ser115Cys). In summary, the available evidence is currently insufficient to determine the role of this variant in disease. Therefore, it has been classified as a Variant of Uncertain Significance.